The following is an entry in ClinVar:

ClinVar aggregate classification (germline): Benign/Likely benign. Review status: criteria provided, multiple submitters, no conflicts (2 of 4 stars). 2 submissions from 2 submitters: Benign (1); Likely benign (1). Last evaluated 2025-11-24.

Conditions:
Episodic ataxia type 2 (EA2). Also called: ATAXIA, EPISODIC, WITH NYSTAGMUS; ATAXIA, FAMILIAL PAROXYSMAL; CEREBELLAR ATAXIA, PAROXYSMAL, ACETAZOLAMIDE-RESPONSIVE; CEREBELLOPATHY, HEREDITARY PAROXYSMAL; EPISODIC ATAXIA, NYSTAGMUS-ASSOCIATED; ACETAZOLAMIDE-RESPONSIVE HEREDITARY PAROXYSMAL CEREBELLAR ATAXIA. Identifiers: Orphanet 97, MedGen C1720416, MONDO:0007163, OMIM 108500.
Developmental and epileptic encephalopathy, 42 (DEE42A). Also called: Epileptic encephalopathy, early infantile, 42; DEVELOPMENTAL AND EPILEPTIC ENCEPHALOPATHY 42A; EPILEPTIC ENCEPHALOPATHY, EARLY INFANTILE, 42A. Identifiers: MedGen C4310716, MONDO:0014917, OMIM 617106.

Allele frequency attached by ClinVar (database versions not stated): gnomAD below 0.00001 and 0.00001; TOPMed below 0.00001.
gnomAD v4.1: 8 of 1,593,118 alleles (0.0005%); highest among the groups gnomAD compares: South Asian, 0.0033%; no homozygotes.

Submissions (2):

Labcorp Genetics (formerly Invitae), Labcorp
Classification: Benign for Developmental and epileptic encephalopathy, 42; Episodic ataxia type 2. Last evaluated: 2025-11-24. Review status: criteria provided, single submitter. Criteria: Invitae Variant Classification Sherloc (09022015). Collection method: clinical testing. Allele origin: germline.

GeneDx
Classification: Likely benign. Last evaluated: 2016-04-12. Review status: criteria provided, single submitter. Criteria: GeneDx Variant Classification (06012015). Collection method: clinical testing. Allele origin: germline. Affected: yes.
Comment: This variant is considered likely benign or benign based on one or more of the following criteria: it is a conservative change, it occurs at a poorly conserved position in the protein, it is predicted to be benign by multiple in silico algorithms, and/or has population frequency not consistent with disease.

NM_001127222.2(CACNA1A):c.2757G>A (p.Glu919=)

Gene: CACNA1A (calcium voltage-gated channel subunit alpha1 A; minus strand). Cytogenetic location: 19p13.13.
Variant type: single nucleotide variant.
Coding change: c.2757G>A on transcript NM_001127222.2 (MANE Select); coding-DNA position 2757, G replaced by A.
Protein change: p.Glu919=; no amino-acid change (glutamic acid 919 retained).
Molecular consequence: synonymous variant.
Genome position (GRCh38, 1-based): chr19:13,298,876, C>T on the plus strand (G>A on the coding strand, the complement: CACNA1A is on the minus strand). VCF-style: chr19-13298876-C-T. GRCh37 (hg19) VCF-style: chr19-13409690-C-T.
Other names: c.2769G>A, p.Glu923= (NM_000068.4, NM_023035.3); c.2760G>A, p.Glu920= (NM_001127221.2, NM_001174080.2).
Identifiers: ClinVar variation 385370 (VCV000385370.2), dbSNP rs747307828, ClinGen allele CA9240486.